The following is an entry in ClinVar:

NM_181486.4(TBX5):c.1013A>G (p.Tyr338Cys)

Gene: TBX5 (T-box transcription factor 5; minus strand). Cytogenetic location: 12q24.21.
Variant type: single nucleotide variant.
Coding change: c.1013A>G on transcript NM_181486.4 (MANE Select); coding-DNA position 1013, A replaced by G.
Protein change: p.Tyr338Cys; replaces tyrosine 338 with cysteine.
Molecular consequence: missense variant.
Genome position (GRCh38, 1-based): chr12:114,356,076, T>C on the plus strand (A>G on the coding strand, the complement: TBX5 is on the minus strand). VCF-style: chr12-114356076-T-C. GRCh37 (hg19) VCF-style: chr12-114793881-T-C.
Other names: c.1013A>G, p.Tyr338Cys (NM_000192.3); c.863A>G, p.Tyr288Cys (NM_080717.4); short protein forms Y288C, Y338C.
Identifiers: ClinVar variation 3804929 (VCV003804929.2), dbSNP rs764322332.

ClinVar aggregate classification (germline): Uncertain significance. Review status: criteria provided, multiple submitters, no conflicts (2 of 4 stars). 2 submissions from 2 submitters: Uncertain significance (2). Last evaluated 2025-04-09.

Conditions:
Cardiovascular phenotype. Identifiers: MedGen CN230736.

gnomAD v4.1: 13 of 1,613,170 alleles (0.00081%); highest among the groups gnomAD compares: Admixed American, 0.0067%; no homozygotes.

Submissions (2):

Molecular Diagnostic Laboratory for Inherited Cardiovascular Disease, Montreal Heart Institute
Classification: Uncertain significance for Cardiovascular phenotype. Last evaluated: 2025-04-09. Review status: criteria provided, single submitter. Criteria: ACMG Guidelines, 2015. Collection method: clinical testing. Allele origin: germline. Affected: yes.

Ambry Genetics
Classification: Uncertain significance for Cardiovascular phenotype. Last evaluated: 2025-01-11. Review status: criteria provided, single submitter. Criteria: Ambry Variant Classification Scheme 2023. Collection method: clinical testing. Allele origin: germline.
Comment: The p.Y338C variant (also known as c.1013A>G), located in coding exon 8 of the TBX5 gene, results from an A to G substitution at nucleotide position 1013. The tyrosine at codon 338 is replaced by cysteine, an amino acid with highly dissimilar properties. This amino acid position is conserved. In addition, the in silico prediction for this alteration is inconclusive. Based on the available evidence, the clinical significance of this variant remains unclear.